The following is an entry in ClinVar:

ClinVar aggregate classification (germline): Pathogenic. Review status: criteria provided, multiple submitters, no conflicts (2 of 4 stars). 3 submissions from 3 submitters: Pathogenic (3). Last evaluated 2024-08-19.

Conditions:
Hereditary cancer-predisposing syndrome. Also called: Neoplastic Syndromes, Hereditary; Tumor predisposition; Hereditary Cancer Syndrome; Hereditary neoplastic syndrome. Identifiers: Orphanet 140162, MedGen C0027672, MeSH D009386, MONDO:0015356.
Familial cancer of breast. Also called: BREAST CANCER, FAMILIAL; Hereditary breast cancer; hereditary breast carcinoma. Identifiers: Orphanet 227535, MedGen C0346153, MONDO:0016419, OMIM 114480. Disease mechanism: loss of function.

Submissions (3):

Color Diagnostics, LLC DBA Color Health
Classification: Pathogenic for Hereditary cancer-predisposing syndrome. Last evaluated: 2024-08-19. Review status: criteria provided, single submitter. Criteria: ACMG Guidelines, 2015. Collection method: clinical testing. Allele origin: germline.
Comment: This variant deletes 18 nucleotides in exon 18/20 of the BRIP1 gene, creating a frameshift and premature translation stop signal. This variant is expected to result in an absent or non-functional protein product. To our knowledge, this variant has not been reported in individuals affected with BRIP1-related disorders in the literature. This variant has not been identified in the general population by the Genome Aggregation Database (gnomAD). Loss of BRIP1 function is a known mechanism of disease. Based on the available evidence, this variant is classified as Pathogenic.

Myriad Genetics, Inc.
Classification: Pathogenic for Familial cancer of breast. Last evaluated: 2023-06-07. Review status: criteria provided, single submitter. Criteria: Myriad Autosomal Dominant, Autosomal Recessive and X-Linked Classification Criteria (2023). Collection method: clinical testing. Allele origin: unknown.
Comment: This variant is considered pathogenic. This variant creates a frameshift predicted to result in premature protein truncation.

Ambry Genetics
Classification: Pathogenic for Hereditary cancer-predisposing syndrome. Last evaluated: 2022-06-08. Review status: criteria provided, single submitter. Criteria: Ambry Variant Classification Scheme 2023. Collection method: clinical testing. Allele origin: germline.
Comment: The c.2523_2538del16insCC pathogenic mutation, located in coding exon 17 of the BRIP1 gene, results from the deletion of 16 nucleotides and insertion of two nucleotides causing a translational frameshift with a predicted alternate stop codon (p.L842Rfs*4). This alteration is expected to result in loss of function by premature protein truncation or nonsense-mediated mRNA decay. As such, this alteration is interpreted as a disease-causing mutation.

NM_032043.3(BRIP1):c.2523_2538delinsCC (p.Leu842fs)

Gene: BRIP1 (BRCA1 interacting DNA helicase 1; minus strand). Cytogenetic location: 17q23.2.
Variant type: Indel.
Coding change: c.2523_2538delinsCC on transcript NM_032043.3 (MANE Select); coding-DNA positions 2523 to 2538, TCTTATTCTAGTGGAT replaced by CC.
Protein change: p.Leu842fs; shifts the reading frame from leucine 842.
Molecular consequence: frameshift variant.
Genome position (GRCh38, 1-based): chr17:61,693,467-61,693,482, ATCCACTAGAATAAGA replaced by GG on the plus strand (TCTTATTCTAGTGGAT replaced by CC on the coding strand, the reverse complement: BRIP1 is on the minus strand). VCF-style: chr17-61693467-ATCCACTAGAATAAGA-GG. GRCh37 (hg19) VCF-style: chr17-59770828-ATCCACTAGAATAAGA-GG.
Other names: short protein forms L842fs.
Identifiers: ClinVar variation 821418 (VCV000821418.7), dbSNP rs1603280507, ClinGen allele CA915950695.
Genomic context (GRCh38, chr17:61,693,467, plus strand): 5'-TCTAAGCCCAGCTGAGATCTTACCAGATATATAGCGACTTGGGTTATTCCTAAAGCGATC[ATCCACTAGAATAAGA>GG]GCTCCCCAATCATTTCTGTGTCTAATACATCTAGAAAAAATAGGGAAAAAGTCAAATAAT-3'